The following is an entry in ClinVar:

NM_001199417.2(ARHGAP23):c.3786G>C (p.Ser1262=)

Gene: ARHGAP23 (Rho GTPase activating protein 23; plus strand). Cytogenetic location: 17q12.
Variant type: single nucleotide variant.
Coding change: c.3786G>C on transcript NM_001199417.2 (MANE Select); coding-DNA position 3786, G replaced by C.
Protein change: p.Ser1262=; no amino-acid change (serine 1262 retained).
Molecular consequence: synonymous variant.
Genome position (GRCh38, 1-based): chr17:38,510,282, G>C. VCF-style: chr17-38510282-G-C. GRCh37 (hg19) VCF-style: chr17-36666518-G-C.
Identifiers: ClinVar variation 2647701 (VCV002647701.24), dbSNP rs758457137, ClinGen allele CA499881025.
Genomic context (GRCh38, chr17:38,510,282, plus strand): 5'-CACGCGCTCCATTGTGTCGGGCTACTCCACCCTGTCCACCATGGACCGCAGCGTGTGCTC[G>C]GGCGCTAGCGGTCGGCGGGCAGGGGCGGGGGATGAGGCGGACGACGAGCGTAGCGAGCTG-3'
Protein context (NP_001186346.1, residues 1252-1272): TLSTMDRSVC[Ser1262=]GASGRRAGAG

ClinVar aggregate classification (germline): Likely benign (1 of 4 stars; one submission).

gnomAD v4.1: 1 of 1,287,870 alleles (0.000078%); highest among the groups gnomAD compares: Non-Finnish European, 0.000098%; no homozygotes.

Submission:

CeGaT Center for Human Genetics Tuebingen
Classification: Likely benign. Last evaluated: 2023-05-01. Review status: criteria provided, single submitter. Criteria: CeGaT Center For Human Genetics Tuebingen Variant Classification Criteria Version 2. Collection method: clinical testing. Allele origin: germline. Affected: yes. Observed: 1 variant allele.
Comment: ARHGAP23: BP4, BP7